The following is an entry in ClinVar:

NM_152305.3(POGLUT1):c.431C>T (p.Ala144Val)

Gene: POGLUT1 (protein O-glucosyltransferase 1; plus strand). Cytogenetic location: 3q13.33.
Variant type: single nucleotide variant.
Coding change: c.431C>T on transcript NM_152305.3 (MANE Select); coding-DNA position 431, C replaced by T.
Protein change: p.Ala144Val; replaces alanine 144 with valine.
Molecular consequence: missense variant. On other transcripts: non-coding transcript variant (1).
Genome position (GRCh38, 1-based): chr3:119,477,423, C>T. VCF-style: chr3-119477423-C-T. GRCh37 (hg19) VCF-style: chr3-119196270-C-T.
Other names: c.431C>T, p.Ala144Val (NM_020231.3); short protein forms A144V.
Identifiers: ClinVar variation 2146042 (VCV002146042.4), dbSNP rs752408002, ClinGen allele CA2554839.

ClinVar aggregate classification (germline): Uncertain significance (1 of 4 stars; one submission).

Allele frequency attached by ClinVar (database versions not stated): gnomAD 0.00001; TOPMed 0.00001; gnomAD exomes 0.00003; ExAC 0.00004.

Submission:

Labcorp Genetics (formerly Invitae), Labcorp
Classification: Uncertain significance. Last evaluated: 2023-04-12. Review status: criteria provided, single submitter. Criteria: Invitae Variant Classification Sherloc (09022015). Collection method: clinical testing. Allele origin: germline.
Comment: In summary, the available evidence is currently insufficient to determine the role of this variant in disease. Therefore, it has been classified as a Variant of Uncertain Significance. Advanced modeling of protein sequence and biophysical properties (such as structural, functional, and spatial information, amino acid conservation, physicochemical variation, residue mobility, and thermodynamic stability) performed at Invitae indicates that this missense variant is not expected to disrupt POGLUT1 protein function. ClinVar contains an entry for this variant (Variation ID: 2146042). This variant has not been reported in the literature in individuals affected with POGLUT1-related conditions. This variant is present in population databases (rs752408002, gnomAD 0.05%). This sequence change replaces alanine, which is neutral and non-polar, with valine, which is neutral and non-polar, at codon 144 of the POGLUT1 protein (p.Ala144Val).